The following is an entry in ClinVar:

NM_031935.3(HMCN1):c.4348+3A>G

Gene: HMCN1 (hemicentin 1; plus strand). Cytogenetic location: 1q31.1.
Variant type: single nucleotide variant.
Coding change: c.4348+3A>G on transcript NM_031935.3 (MANE Select); 3 bases into the intron after coding-DNA position 4348, A replaced by G.
Molecular consequence: intron variant.
Genome position (GRCh38, 1-based): chr1:186,001,744, A>G. VCF-style: chr1-186001744-A-G. GRCh37 (hg19) VCF-style: chr1-185970876-A-G.
Identifiers: ClinVar variation 4768254 (VCV004768254.1).

ClinVar aggregate classification (germline): Uncertain significance (1 of 4 stars; one submission).

gnomAD v4.1: 4 of 1,610,240 alleles (0.00025%); highest among the groups gnomAD compares: Admixed American, 0.0067%; no homozygotes.

Submission:

Labcorp Genetics (formerly Invitae), Labcorp
Classification: Uncertain significance. Last evaluated: 2025-02-25. Review status: criteria provided, single submitter. Criteria: Invitae Variant Classification Sherloc (09022015). Collection method: clinical testing. Allele origin: germline.
Comment: This sequence change falls in intron 28 of the HMCN1 gene. It does not directly change the encoded amino acid sequence of the HMCN1 protein. It affects a nucleotide within the consensus splice site. This variant is present in population databases (rs778052968, gnomAD 0.009%). This variant has not been reported in the literature in individuals affected with HMCN1-related conditions. Variants that disrupt the consensus splice site are a relatively common cause of aberrant splicing (PMID: 17576681, 9536098). Algorithms developed to predict the effect of sequence changes on RNA splicing suggest that this variant is not likely to affect RNA splicing. In summary, the available evidence is currently insufficient to determine the role of this variant in disease. Therefore, it has been classified as a Variant of Uncertain Significance.

Literature cited by the submitters: PubMed 17576681; PubMed 9536098.